The following is an entry in ClinVar:

ClinVar aggregate classification (germline): Likely pathogenic (1 of 4 stars; one submission).

Conditions:
Hereditary breast ovarian cancer syndrome. Also called: Hereditary breast and ovarian cancer syndrome (HBOC); Hereditary breast and ovarian cancer syndrome; Breast and ovarian cancer; Hereditary breast and/or ovarian cancer syndrome; Hereditary breast and ovarian cancer; BRCA1- and BRCA2-Associated Hereditary Breast and Ovarian Cancer. Identifiers: Orphanet 145, MedGen C0677776, MeSH D061325, MONDO:0003582. Disease mechanism: loss of function.

Submission:

Labcorp Genetics (formerly Invitae), Labcorp
Classification: Likely pathogenic for Hereditary breast and ovarian cancer syndrome. Last evaluated: 2018-02-14. Review status: criteria provided, single submitter. Criteria: Invitae Variant Classification Sherloc (09022015). Collection method: clinical testing. Allele origin: germline.
Comment: This variant is a gross duplication of the genomic region encompassing exon 19 of the BRCA1 gene. While the exact position of the duplicated exon cannot be determined from this data, the duplicated copy of this region is likely in tandem and in-frame, therefore preserving the integrity of the reading frame. Duplications of exon 19 have been reported in individuals and families with breast and/or ovarian cancer (PMID: 16715518, 16793929). Duplication of exon 19 is also known as duplication of exon 20 by legacy exon numbering in the literature. ClinVar contains an entry for duplications of exon 19 (Variation ID: 267581). The C-terminal region of the BRCA1 protein contains two BRCT repeats (BRCT-N and BRCT-C), which are essential for BRCA1 protein function (PMID: 10811118, 8751436). Structural and functional analyses have shown that the tandem BRCT domains form a well-organized structure crucial for BRCA1 transcriptional activity (PMID: 20516115, 11573086, 15172985). This variant is expected to disrupt the BRCT repeats, which would likely destabilize the structure of the C-terminal region of the BRCA1 protein and disrupt BRCA1 transcriptional activity. In summary, the currently available evidence indicates that the variant is pathogenic, but additional data are needed to prove that conclusively. Therefore, this variant has been classified as Likely Pathogenic.

Literature cited by the submitters: PubMed 16715518; PubMed 11573086; PubMed 8751436; PubMed 15172985; PubMed 10811118; PubMed 20516115; PubMed 16793929.

NC_000017.10:g.(?_41209063)_(41209158_?)dup

Gene: BRCA1 (BRCA1 DNA repair associated; minus strand). Cytogenetic location: 17q21.31.
Variant type: Duplication.
Identifiers: ClinVar variation 462184 (VCV000462184.1).